The following is an entry in ClinVar:

ClinVar aggregate classification (germline): Uncertain significance. Review status: criteria provided, multiple submitters, no conflicts (2 of 4 stars). 2 submissions from 2 submitters: Uncertain significance (2). Last evaluated 2024-11-13.

Conditions:
Oligodontia-cancer predisposition syndrome. Also called: TOOTH AGENESIS-COLORECTAL CANCER SYNDROME. Identifiers: Orphanet 300576, MedGen C1837750, MONDO:0012075, OMIM 608615. Disease mechanism: loss of function.
Hereditary cancer-predisposing syndrome. Also called: Neoplastic Syndromes, Hereditary; Hereditary Cancer Syndrome; Hereditary neoplastic syndrome; Tumor predisposition. Identifiers: Orphanet 140162, MedGen C0027672, MeSH D009386, MONDO:0015356.

Submissions (2):

Ambry Genetics
Classification: Uncertain significance for Hereditary cancer-predisposing syndrome. Last evaluated: 2024-11-13. Review status: criteria provided, single submitter. Criteria: Ambry Variant Classification Scheme 2023. Collection method: clinical testing. Allele origin: germline.
Comment: The p.E405D variant (also known as c.1215G>C), located in coding exon 5 of the AXIN2 gene, results from a G to C substitution at nucleotide position 1215. The glutamic acid at codon 405 is replaced by aspartic acid, an amino acid with highly similar properties. This amino acid position is highly conserved in available vertebrate species. In addition, this alteration is predicted to be tolerated by in silico analysis. Based on the available evidence, the clinical significance of this variant remains unclear.

Labcorp Genetics (formerly Invitae), Labcorp
Classification: Uncertain significance for Oligodontia-cancer predisposition syndrome. Last evaluated: 2022-07-19. Review status: criteria provided, single submitter. Criteria: Invitae Variant Classification Sherloc (09022015). Collection method: clinical testing. Allele origin: germline.
Comment: In summary, the available evidence is currently insufficient to determine the role of this variant in disease. Therefore, it has been classified as a Variant of Uncertain Significance. Algorithms developed to predict the effect of missense changes on protein structure and function (SIFT, PolyPhen-2, Align-GVGD) all suggest that this variant is likely to be tolerated. ClinVar contains an entry for this variant (Variation ID: 1423668). This variant has not been reported in the literature in individuals affected with AXIN2-related conditions. This variant is not present in population databases (gnomAD no frequency). This sequence change replaces glutamic acid, which is acidic and polar, with aspartic acid, which is acidic and polar, at codon 405 of the AXIN2 protein (p.Glu405Asp).

NM_004655.4(AXIN2):c.1215G>C (p.Glu405Asp)

Gene: AXIN2 (axin 2; minus strand). Cytogenetic location: 17q24.1.
Variant type: single nucleotide variant.
Coding change: c.1215G>C on transcript NM_004655.4 (MANE Select); coding-DNA position 1215, G replaced by C.
Protein change: p.Glu405Asp; replaces glutamic acid 405 with aspartic acid.
Molecular consequence: missense variant.
Genome position (GRCh38, 1-based): chr17:65,537,821, C>G on the plus strand (G>C on the coding strand, the complement: AXIN2 is on the minus strand). VCF-style: chr17-65537821-C-G. GRCh37 (hg19) VCF-style: chr17-63533939-C-G.
Other names: c.1215G>C, p.Glu405Asp (NM_001363813.1); c.1215G>C (NM_004655.3); short protein forms E405D.
Identifiers: ClinVar variation 1423668 (VCV001423668.9), dbSNP rs1053887162, ClinGen allele CA400677947.